The following is an entry in ClinVar:

ClinVar aggregate classification (germline): Likely benign (1 of 4 stars; one submission).

Allele frequency attached by ClinVar (database versions not stated): gnomAD 0.00003.

Submission:

CeGaT Center for Human Genetics Tuebingen
Classification: Likely benign. Last evaluated: 2026-09-01. Review status: criteria provided, single submitter. Criteria: CeGaT Center For Human Genetics Tuebingen Variant Classification Criteria Version 2. Collection method: clinical testing. Allele origin: germline. Affected: yes. Observed: 11 variant alleles.
Comment: IGFN1: BP4, BP7

NM_001164586.2(IGFN1):c.5169G>C (p.Gly1723=)

Gene: IGFN1 (immunoglobulin like and fibronectin type III domain containing 1; plus strand). Cytogenetic location: 1q32.1.
Variant type: single nucleotide variant.
Coding change: c.5169G>C on transcript NM_001164586.2 (MANE Select); coding-DNA position 5169, G replaced by C.
Protein change: p.Gly1723=; no amino-acid change (glycine 1723 retained).
Molecular consequence: synonymous variant. On other transcripts: intron variant (1).
Genome position (GRCh38, 1-based): chr1:201,210,062, G>C. VCF-style: chr1-201210062-G-C. GRCh37 (hg19) VCF-style: chr1-201179190-G-C.
Other names: c.1242-3444G>C (NM_001367841.1).
Identifiers: ClinVar variation 2639754 (VCV002639754.24), dbSNP rs762227475, ClinGen allele CA422818565.
Genomic context (GRCh38, chr1:201,210,062, plus strand): 5'-GTCAGTGAATGAGGCAGGTTATAGGAAGGATTTGGGGGCTCCTGAGGGAATGGGTTCAGG[G>C]AGTAAGGCAGGTTTCAGGGATGGTTTAGGGGGTTCTGGAGAAATGGGGTCAGTGAATGAA-3'
Protein context (NP_001158058.1, residues 1713-1733): DLGAPEGMGS[Gly1723=]SKAGFRDGLG